The following is an entry in ClinVar:

ClinVar aggregate classification (germline): Uncertain significance (1 of 4 stars; one submission).

Submission:

Ambry Genetics
Classification: Uncertain significance. Last evaluated: 2025-02-07. Review status: criteria provided, single submitter. Criteria: Ambry Variant Classification Scheme 2023. Collection method: clinical testing. Allele origin: germline.
Comment: The p.S1023I variant (also known as c.3068G>T), located in coding exon 1 of the TET2 gene, results from a G to T substitution at nucleotide position 3068. The serine at codon 1023 is replaced by isoleucine, an amino acid with dissimilar properties. This amino acid position is conserved. In addition, the in silico prediction for this alteration is inconclusive. Based on the available evidence, the clinical significance of this variant remains unclear.

NM_001127208.3(TET2):c.3068G>T (p.Ser1023Ile)

Genes: TET2 (tet methylcytosine dioxygenase 2; plus strand), TET2-AS1 (TET2 antisense RNA 1; minus strand). Cytogenetic location: 4q24.
Variant type: single nucleotide variant.
Coding change: c.3068G>T on transcript NM_001127208.3 (MANE Select); coding-DNA position 3068, G replaced by T.
Protein change: p.Ser1023Ile; replaces serine 1023 with isoleucine.
Molecular consequence: missense variant.
Genome position (GRCh38, 1-based): chr4:105,237,010, G>T. VCF-style: chr4-105237010-G-T. GRCh37 (hg19) VCF-style: chr4-106158167-G-T.
Other names: c.3068G>T, p.Ser1023Ile (NM_017628.4); short protein forms S1023I.
Identifiers: ClinVar variation 3806034 (VCV003806034.1).